The following is an entry in ClinVar:

ClinVar aggregate classification (germline): Uncertain significance (1 of 4 stars; one submission).

Conditions:
Epidermolysis bullosa simplex 5B, with muscular dystrophy (EBS5B). Also called: Epidermolysis bullosa simplex with muscular dystrophy; EPIDERMOLYSIS BULLOSA SIMPLEX AND LIMB-GIRDLE MUSCULAR DYSTROPHY. Identifiers: Orphanet 257, MedGen C2931072, MONDO:0009181, OMIM 226670.
Epidermolysis bullosa simplex 5C, with pyloric atresia (EBS5C). Also called: Epidermolysis bullosa simplex with pyloric atresia; PLEC-Related Epidermolysis Bullosa with Pyloric Atresia; PLEC1-Related Epidermolysis Bullosa with Pyloric Atresia. Identifiers: Orphanet 158684, MedGen C2677349, MONDO:0012807, OMIM 612138.
Epidermolysis bullosa simplex, Ogna type (EBS5A). Also called: Pidermolysis bullosa simplex 5A, Ogna type; EPIDERMOLYSIS BULLOSA SIMPLEX 5A, OGNA TYPE. Identifiers: Orphanet 79401, MedGen C0432317, MONDO:0007555, OMIM 131950.
Autosomal recessive limb-girdle muscular dystrophy type 2Q (LGMDR17). Also called: MUSCULAR DYSTROPHY, LIMB-GIRDLE, AUTOSOMAL RECESSIVE 17. Identifiers: Orphanet 254361, MedGen C3150989, MONDO:0013390, OMIM 613723.
Epidermolysis bullosa simplex with nail dystrophy (EBS5D). Identifiers: MedGen C4225309, MONDO:0014661, OMIM 616487.

Allele frequency attached by ClinVar (database versions not stated): gnomAD 0.00001; gnomAD exomes 0.00001 and 0.00002.
gnomAD v4.1: 10 of 1,534,392 alleles (0.00065%); highest among the groups gnomAD compares: South Asian, 0.012%; no homozygotes.

Submission:

Labcorp Genetics (formerly Invitae), Labcorp
Classification: Uncertain significance for Autosomal recessive limb-girdle muscular dystrophy type 2Q; Epidermolysis bullosa simplex, Ogna type; Epidermolysis bullosa simplex with nail dystrophy; Epidermolysis bullosa simplex 5C, with pyloric atresia; Epidermolysis bullosa simplex 5B, with muscular dystrophy. Last evaluated: 2020-06-15. Review status: criteria provided, single submitter. Criteria: Invitae Variant Classification Sherloc (09022015). Collection method: clinical testing. Allele origin: germline.
Comment: This sequence change replaces glutamine with arginine at codon 1754 of the PLEC protein (p.Gln1754Arg). The glutamine residue is highly conserved and there is a small physicochemical difference between glutamine and arginine. The frequency data for this variant in the population databases is considered unreliable, as metrics indicate insufficient coverage at this position in the ExAC database. This variant has not been reported in the literature in individuals with PLEC-related conditions. Algorithms developed to predict the effect of missense changes on protein structure and function are either unavailable or do not agree on the potential impact of this missense change (SIFT: "Deleterious"; PolyPhen-2: "Not Available"; Align-GVGD: "Class C35"). In summary, the available evidence is currently insufficient to determine the role of this variant in disease. Therefore, it has been classified as a Variant of Uncertain Significance.

NM_201384.3(PLEC):c.5180A>G (p.Gln1727Arg)

Gene: PLEC (plectin; minus strand). Cytogenetic location: 8q24.3.
Variant type: single nucleotide variant.
Coding change: c.5180A>G on transcript NM_201384.3 (MANE Select); coding-DNA position 5180, A replaced by G.
Protein change: p.Gln1727Arg; replaces glutamine 1727 with arginine.
Molecular consequence: missense variant.
Genome position (GRCh38, 1-based): chr8:143,924,749, T>C on the plus strand (A>G on the coding strand, the complement: PLEC is on the minus strand). VCF-style: chr8-143924749-T-C. GRCh37 (hg19) VCF-style: chr8-144998917-T-C.
Other names: c.5261A>G, p.Gln1754Arg (NM_000445.5); c.5138A>G, p.Gln1713Arg (NM_201378.4); c.5114A>G, p.Gln1705Arg (NM_201379.3); c.5591A>G, p.Gln1864Arg (NM_201380.4); c.5084A>G, p.Gln1695Arg (NM_201381.3); c.5180A>G, p.Gln1727Arg (NM_201382.4); c.5192A>G, p.Gln1731Arg (NM_201383.3); short protein forms Q1695R, Q1705R, Q1713R, Q1727R, Q1731R, Q1754R, Q1864R.
Identifiers: ClinVar variation 1056378 (VCV001056378.5), dbSNP rs1017507182, ClinGen allele CA187616198.
Genomic context (GRCh38, chr8:143,924,749, plus strand): 5'-GTGGCTGCAGCCGCCTCACGCTGCAGCCGGGCCAGCTCCTCCTCCAGCAGCTGCCGCTGC[T>C]GCTCCCCCTGCTCCGTCTCGGCCCGCAGCCGGATCAACTCCTGCTCCGCGGCCAGGCGCT-3'
Protein context (NP_958786.1, residues 1717-1737): RLRAETEQGE[Gln1727Arg]QRQLLEEELA